The following is an entry in ClinVar:

NM_001205293.3(CACNA1E):c.3898A>C (p.Met1300Leu)

Gene: CACNA1E (calcium voltage-gated channel subunit alpha1 E; plus strand). Cytogenetic location: 1q25.3.
Variant type: single nucleotide variant.
Coding change: c.3898A>C on transcript NM_001205293.3 (MANE Select); coding-DNA position 3898, A replaced by C.
Protein change: p.Met1300Leu; replaces methionine 1300 with leucine.
Molecular consequence: missense variant.
Genome position (GRCh38, 1-based): chr1:181,755,306, A>C. VCF-style: chr1-181755306-A-C. GRCh37 (hg19) VCF-style: chr1-181724442-A-C.
Other names: c.3898A>C, p.Met1300Leu (NM_000721.4); c.3841A>C, p.Met1281Leu (NM_001205294.2); short protein forms M1281L, M1300L.
Identifiers: ClinVar variation 3256683 (VCV003256683.1).

ClinVar aggregate classification (germline): Uncertain significance (1 of 4 stars; one submission).

Conditions:
Developmental and epileptic encephalopathy, 69. Also called: EPILEPTIC ENCEPHALOPATHY, EARLY INFANTILE, 69. Identifiers: MedGen C4748988, MONDO:0032657, OMIM 618285.

Submission:

MVZ Medizinische Genetik Mainz
Classification: Uncertain significance for Developmental and epileptic encephalopathy, 69. Last evaluated: 2024-04-26. Review status: criteria provided, single submitter. Criteria: UK Practice Guidelines For Variant Classification V4 01 2020. Collection method: clinical testing. Allele origin: germline. Inheritance: Autosomal dominant inheritance. Observed: 1 variant allele.
Comment: ACMG Criteria: PM2_SUP,PP2,PP3